The following is an entry in ClinVar:

ClinVar aggregate classification (germline): Uncertain significance (1 of 4 stars; one submission).

Submission:

GeneDx
Classification: Uncertain significance. Last evaluated: 2024-08-05. Review status: criteria provided, single submitter. Criteria: GeneDx Variant Classification Process June 2021. Collection method: clinical testing. Allele origin: germline. Affected: yes.
Comment: Not observed at significant frequency in large population cohorts (gnomAD); In silico analysis supports that this missense variant has a deleterious effect on protein structure/function; Has not been previously published as pathogenic or benign to our knowledge

NM_001372044.2(SHANK3):c.4423G>C (p.Ala1475Pro)

Gene: SHANK3 (SH3 and multiple ankyrin repeat domains 3; plus strand). Cytogenetic location: 22q13.33.
Variant type: single nucleotide variant.
Coding change: c.4423G>C on transcript NM_001372044.2 (MANE Select); coding-DNA position 4423, G replaced by C.
Protein change: p.Ala1475Pro; replaces alanine 1475 with proline.
Molecular consequence: missense variant.
Genome position (GRCh38, 1-based): chr22:50,722,031, G>C. VCF-style: chr22-50722031-G-C. GRCh37 (hg19) VCF-style: chr22-51160459-G-C.
Other names: c.4198G>C (NM_033517.1); short protein forms A1475P.
Identifiers: ClinVar variation 3730980 (VCV003730980.1).